The following is an entry in ClinVar:

NM_017654.4(SAMD9):c.3382A>G (p.Lys1128Glu)

Gene: SAMD9 (sterile alpha motif domain containing 9; minus strand). Cytogenetic location: 7q21.2.
Variant type: single nucleotide variant.
Coding change: c.3382A>G on transcript NM_017654.4 (MANE Select); coding-DNA position 3382, A replaced by G.
Protein change: p.Lys1128Glu; replaces lysine 1128 with glutamic acid.
Molecular consequence: missense variant.
Genome position (GRCh38, 1-based): chr7:93,102,716, T>C on the plus strand (A>G on the coding strand, the complement: SAMD9 is on the minus strand). VCF-style: chr7-93102716-T-C. GRCh37 (hg19) VCF-style: chr7-92732029-T-C.
Other names: c.3382A>G, p.Lys1128Glu (NM_001193307.2); short protein forms K1128E.
Identifiers: ClinVar variation 4629839 (VCV004629839.1).

ClinVar aggregate classification (germline): Uncertain significance (1 of 4 stars; one submission).

Conditions:
Inborn genetic diseases. Identifiers: MedGen C0950123, MeSH D030342.

Submission:

Ambry Genetics
Classification: Uncertain significance for Inborn genetic diseases. Last evaluated: 2025-10-01. Review status: criteria provided, single submitter. Criteria: Ambry Variant Classification Scheme 2023. Collection method: clinical testing. Allele origin: germline.
Comment: The p.K1128E variant (also known as c.3382A>G), located in coding exon 1 of the SAMD9 gene, results from an A to G substitution at nucleotide position 3382. The lysine at codon 1128 is replaced by glutamic acid, an amino acid with similar properties. This amino acid position is conserved. In addition, the in silico prediction for this alteration is inconclusive. Based on the available evidence, the clinical significance of this variant remains unclear.